The following is an entry in ClinVar:

ClinVar aggregate classification (germline): Pathogenic (1 of 4 stars; one submission).

Submission:

Labcorp Genetics (formerly Invitae), Labcorp
Classification: Pathogenic. Last evaluated: 2022-06-27. Review status: criteria provided, single submitter. Criteria: Invitae Variant Classification Sherloc (09022015). Collection method: clinical testing. Allele origin: germline.
Comment: This sequence change creates a premature translational stop signal (p.Leu403Glyfs*6) in the MEIOB gene. It is expected to result in an absent or disrupted protein product. Loss-of-function variants in MEIOB are known to be pathogenic (PMID: 30838384). This variant is present in population databases (rs745502213, gnomAD 0.01%). This variant has not been reported in the literature in individuals affected with MEIOB-related conditions. For these reasons, this variant has been classified as Pathogenic.

Literature cited by the submitters: PubMed 30838384.

NM_001163560.3(MEIOB):c.1207_1208del (p.Leu403fs)

Genes: FAHD1 (FAH domain containing oxaloacetate decarboxylase 1; plus strand), MEIOB (meiosis specific with OB-fold; minus strand). Cytogenetic location: 16p13.3.
Variant type: Deletion.
Coding change: c.1207_1208del on transcript NM_001163560.3 (MANE Select); coding-DNA positions 1207 to 1208, 2 bases deleted (TT; older notation c.1207_1208delTT).
Protein change: p.Leu403fs; shifts the reading frame from leucine 403.
Molecular consequence: frameshift variant. On other transcripts: 3 prime UTR variant (1).
Genome position (GRCh38, 1-based): chr16:1,839,265-1,839,266, AA deleted on the plus strand (TT on the coding strand, the reverse complement: MEIOB is on the minus strand); deleting any 2 consecutive bases within chr16:1,839,265-1,839,267 gives the same sequence; the c. name uses the placement nearest the transcript's 3' end. VCF-style (leftmost placement, unchanged base first): chr16-1839264-CAA-C. GRCh37 (hg19) VCF-style: chr16-1889265-CAA-C.
Other names: c.1207_1208del, p.Leu403fs (NM_152764.3); c.*13_*14del (NM_001018104.3); c.632_633del, p.Lys211fs (NM_001142398.2); short protein forms L403fs, K211fs.
Identifiers: ClinVar variation 2078114 (VCV002078114.1), dbSNP rs745502213, ClinGen allele CA7821743.